The following is an entry in ClinVar:

NM_001172643.1(TK2):c.7G>A (p.Ala3Thr)

Gene: TK2 (thymidine kinase 2; minus strand). Cytogenetic location: 16q21.
Variant type: single nucleotide variant.
Coding change: c.7G>A on transcript NM_001172643.1; coding-DNA position 7, G replaced by A.
Protein change: p.Ala3Thr; replaces alanine 3 with threonine.
Molecular consequence: missense variant.
Genome position (GRCh38, 1-based): chr16:66,550,277, C>T on the plus strand (G>A on the coding strand, the complement: TK2 is on the minus strand). VCF-style: chr16-66550277-C-T. GRCh37 (hg19) VCF-style: chr16-66584180-C-T.
Other names: c.7G>A, p.Ala3Thr (NM_001271935.1); short protein forms A3T.
Identifiers: ClinVar variation 320161 (VCV000320161.8), dbSNP rs190131543, ClinGen allele CA8093910.
Genomic context (GRCh38, chr16:66,550,277, plus strand): 5'-AGGGAGAGGTTCGCCGCTGGCAGCCAGAAGCCTTACCACTGCTAGGACGCTGGCAGAACG[C>T]ACCCATAACTTGGCAACACTCGGAGGATGGATGGCAAATAATACCAGCGACTGAAGGGTT-3'

ClinVar aggregate classification (germline): Likely benign. Review status: criteria provided, multiple submitters, no conflicts (2 of 4 stars). 2 submissions from 2 submitters: Likely benign (2). Last evaluated 2026-07-14.

Conditions:
TK2-related disorder. Also called: TK2-related condition.
Mitochondrial DNA depletion syndrome, myopathic form (MTDPS2). Also called: MITOCHONDRIAL DNA DEPLETION SYNDROME 2 (MYOPATHIC TYPE); MITOCHONDRIAL DNA DEPLETION MYOPATHY, TK2-RELATED; TK2-Related Mitochondrial DNA Maintenance Defect, Myopathic Form. Identifiers: Orphanet 254875, MedGen C3149750, MONDO:0012301, OMIM 609560.

Allele frequency attached by ClinVar (database versions not stated): TOPMed 0.00165; gnomAD exomes 0.00045; gnomAD 0.00122 and 0.00132; 1000 Genomes Project 30x 0.00265; ExAC 0.00078; 1000 Genomes Project 0.00240.

Submissions (2):

PreventionGenetics, part of Exact Sciences
Classification: Likely benign for TK2-related condition. Last evaluated: 2026-07-14. Review status: criteria provided, single submitter. Criteria: ACMG Guidelines, 2015. Collection method: clinical testing. Allele origin: germline.
Comment: This variant is classified as likely benign based on ACMG/AMP sequence variant interpretation guidelines (Richards et al. 2015 PMID: 25741868, with internal and published modifications).

Illumina Laboratory Services, Illumina
Classification: Likely benign for Mitochondrial DNA depletion syndrome, myopathic form. Last evaluated: 2018-01-13. Review status: criteria provided, single submitter. Criteria: ICSL Variant Classification Criteria 13 December 2019. Collection method: clinical testing. Allele origin: germline.
Comment: This variant was observed in the ICSL laboratory as part of a predisposition screen in an ostensibly healthy population. It had not been previously curated by ICSL or reported in the Human Gene Mutation Database (HGMD: prior to June 1st, 2018), and was therefore a candidate for classification through an automated scoring system. Utilizing variant allele frequency, disease prevalence and penetrance estimates, and inheritance mode, an automated score was calculated to assess if this variant is too frequent to cause the disease. Based on the score and internal cut-off values, a variant classified as likely benign is not then subjected to further curation. The score for this variant resulted in a classification of likely benign for this disease.